The following is an entry in ClinVar:

NM_031844.3(HNRNPU):c.877+3A>G

Gene: HNRNPU (heterogeneous nuclear ribonucleoprotein U; minus strand). Cytogenetic location: 1q44.
Variant type: single nucleotide variant.
Coding change: c.877+3A>G on transcript NM_031844.3 (MANE Select); 3 bases into the intron after coding-DNA position 877, A replaced by G.
Molecular consequence: intron variant.
Genome position (GRCh38, 1-based): chr1:244,862,458, T>C on the plus strand (A>G on the coding strand, the complement: HNRNPU is on the minus strand). VCF-style: chr1-244862458-T-C. GRCh37 (hg19) VCF-style: chr1-245025760-T-C.
Other names: c.820+3A>G (NM_004501.3).
Identifiers: ClinVar variation 4881823 (VCV004881823.2).

ClinVar aggregate classification (germline): Uncertain significance (1 of 4 stars; one submission).

Submission:

Dasa
Classification: Uncertain significance. Last evaluated: 2026-04-17. Review status: criteria provided, single submitter. Criteria: DASA Assertion Criteria. Collection method: clinical testing. Allele origin: germline.
Comment: NM_031844.3(HNRNPU):c.877+3A>G is a splice-region variant. This variant is rare in population databases. Computational prediction algorithms are consistent with a deleterious effect. The currently available literature and clinical evidence are not sufficient to establish a definitive association between this variant and the reported condition. Therefore, this variant is classified as a variant of uncertain significance.